The following is an entry in ClinVar:

NM_001035.3(RYR2):c.2617G>A (p.Val873Met)

Gene: RYR2 (ryanodine receptor 2; plus strand). Cytogenetic location: 1q43.
Variant type: single nucleotide variant.
Coding change: c.2617G>A on transcript NM_001035.3 (MANE Select); coding-DNA position 2617, G replaced by A.
Protein change: p.Val873Met; replaces valine 873 with methionine.
Molecular consequence: missense variant.
Genome position (GRCh38, 1-based): chr1:237,506,713, G>A. VCF-style: chr1-237506713-G-A. GRCh37 (hg19) VCF-style: chr1-237670013-G-A.
Other names: short protein forms V873M.
Identifiers: ClinVar variation 918326 (VCV000918326.15), dbSNP rs369248015, ClinGen allele CA086095.

ClinVar aggregate classification (germline): Uncertain significance. Review status: criteria provided, multiple submitters, no conflicts (2 of 4 stars). 5 submissions from 5 submitters: Uncertain significance (5). Last evaluated 2025-01-22.

Conditions:
Cardiovascular phenotype. Identifiers: MedGen CN230736.
Arrhythmogenic right ventricular dysplasia 2. Identifiers: MedGen C1832931.
Catecholaminergic polymorphic ventricular tachycardia 1. Also called: VENTRICULAR TACHYCARDIA, CATECHOLAMINERGIC POLYMORPHIC, 1, WITH OR WITHOUT ATRIAL DYSFUNCTION AND/OR DILATED CARDIOMYOPATHY; RYR2-Related Catecholaminergic Polymorphic Ventricular Tachycardia; VENTRICULAR TACHYCARDIA, STRESS-INDUCED POLYMORPHIC 1. Identifiers: Orphanet 3286, MedGen C1631597, MONDO:0011484, OMIM 604772.
Ventricular arrhythmias due to cardiac ryanodine receptor calcium release deficiency syndrome. Also called: Autosomal dominant cardiac arrhythmia (Kuhn). Identifiers: MedGen C5542154, MONDO:0020745, OMIM 115000.
Catecholaminergic polymorphic ventricular tachycardia (CVPT). Also called: Catecholamine-induced polymorphic ventricular tachycardia. Identifiers: Orphanet 3286, MedGen C5574922, MONDO:0017990.
Cardiomyopathy (CMYO). Also called: Cardiomyopathies. Identifiers: Orphanet 167848, MedGen C0878544, MONDO:0004994, HP:0001638. Inheritance: Various modes of inheritance.

Allele frequency attached by ClinVar (database versions not stated): gnomAD exomes 0.00001 and 0.00003; ExAC 0.00002; TOPMed 0.00002; gnomAD 0.00003; ESP Exome Variant Server 0.00008.
gnomAD v4.1: 50 of 1,609,482 alleles (0.0031%); highest among the groups gnomAD compares: Non-Finnish European, 0.0037%; no homozygotes.

Submissions (5):

Labcorp Genetics (formerly Invitae), Labcorp
Classification: Uncertain significance for Catecholaminergic polymorphic ventricular tachycardia 1. Last evaluated: 2025-01-22. Review status: criteria provided, single submitter. Criteria: Invitae Variant Classification Sherloc (09022015). Collection method: clinical testing. Allele origin: germline.
Comment: This sequence change replaces valine, which is neutral and non-polar, with methionine, which is neutral and non-polar, at codon 873 of the RYR2 protein (p.Val873Met). This variant is present in population databases (rs369248015, gnomAD 0.003%). This variant has not been reported in the literature in individuals affected with RYR2-related conditions. ClinVar contains an entry for this variant (Variation ID: 918326). Invitae Evidence Modeling of protein sequence and biophysical properties (such as structural, functional, and spatial information, amino acid conservation, physicochemical variation, residue mobility, and thermodynamic stability) indicates that this missense variant is not expected to disrupt RYR2 protein function with a negative predictive value of 95%. In summary, the available evidence is currently insufficient to determine the role of this variant in disease. Therefore, it has been classified as a Variant of Uncertain Significance.

All of Us Research Program, National Institutes of Health
Classification: Uncertain significance for Catecholaminergic polymorphic ventricular tachycardia. Last evaluated: 2024-09-23. Review status: criteria provided, single submitter. Criteria: ACMG Guidelines, 2015. Collection method: clinical testing. Allele origin: germline. Inheritance: Autosomal dominant inheritance. Observed: 12 variant alleles, 12 heterozygotes.
Comment: This variant is located in the RYR2 protein. Computational prediction is inconclusive regarding the impact of this variant on protein structure and function (internally defined REVEL score threshold 0.5 < inconclusive < 0.7, PMID: 27666373). To our knowledge, functional studies have not been reported for this variant. This variant has not been reported in individuals affected with cardiovascular disorders in the literature. This variant has been identified in 3/246074 chromosomes in the general population by the Genome Aggregation Database (gnomAD). The available evidence is insufficient to determine the role of this variant in disease conclusively. Therefore, this variant is classified as a Variant of Uncertain Significance.

This study involves interpretation of variants in research participants for the purpose of population health screening. Participant phenotype was not available at the time of variant classification. Additional details can be found in publication PMID: 35346344, PMCID: PMC8962531

Color Diagnostics, LLC DBA Color Health
Classification: Uncertain significance for Cardiomyopathy. Last evaluated: 2024-02-07. Review status: criteria provided, single submitter. Criteria: ACMG Guidelines, 2015. Collection method: clinical testing. Allele origin: germline.
Comment: This variant is located in the RYR2 protein. Computational prediction is inconclusive regarding the impact of this variant on protein structure and function (internally defined REVEL score threshold 0.5 < inconclusive < 0.7, PMID: 27666373). To our knowledge, functional studies have not been reported for this variant. This variant has not been reported in individuals affected with cardiovascular disorders in the literature. This variant has been identified in 3/246074 chromosomes in the general population by the Genome Aggregation Database (gnomAD). The available evidence is insufficient to determine the role of this variant in disease conclusively. Therefore, this variant is classified as a Variant of Uncertain Significance.

Ambry Genetics
Classification: Uncertain significance for Cardiovascular phenotype. Last evaluated: 2023-11-21. Review status: criteria provided, single submitter. Criteria: Ambry Variant Classification Scheme 2023. Collection method: clinical testing. Allele origin: germline.
Comment: The p.V873M variant (also known as c.2617G>A), located in coding exon 23 of the RYR2 gene, results from a G to A substitution at nucleotide position 2617. The valine at codon 873 is replaced by methionine, an amino acid with highly similar properties. This amino acid position is well conserved in available vertebrate species. In addition, the in silico prediction for this alteration is inconclusive. Since supporting evidence is limited at this time, the clinical significance of this alteration remains unclear.

Fulgent Genetics
Classification: Uncertain significance for Ventricular arrhythmias due to cardiac ryanodine receptor calcium release deficiency syndrome; Catecholaminergic polymorphic ventricular tachycardia 1. Last evaluated: 2021-09-28. Review status: criteria provided, single submitter. Criteria: ACMG Guidelines, 2015. Collection method: clinical testing. Allele origin: unknown.